The following is an entry in ClinVar:

ClinVar aggregate classification (germline): Uncertain significance. Review status: criteria provided, multiple submitters, no conflicts (2 of 4 stars). 2 submissions from 2 submitters: Uncertain significance (2). Last evaluated 2024-11-19.

Conditions:
Hereditary spastic paraplegia 11. Also called: SPASTIC PARAPLEGIA, AUTOSOMAL RECESSIVE, COMPLICATED, WITH THIN CORPUS CALLOSUM; SPASTIC PARAPLEGIA, AUTOSOMAL RECESSIVE, WITH MENTAL IMPAIRMENT AND THIN CORPUS CALLOSUM; Spastic Paraplegia 11; Nakamura Osame syndrome; Autosomal recessive hereditary spastic paraplegia, mental impairment, and thin corpus callosum; Spastic paraplegia, mental retardation and thin corpus callosum. Identifiers: Orphanet 2822, MedGen C1858479, MONDO:0011445, OMIM 604360.

Allele frequency attached by ClinVar (database versions not stated): gnomAD exomes below 0.00001; gnomAD 0.00001; TOPMed 0.00002; ESP Exome Variant Server 0.00008.
gnomAD v4.1: 26 of 1,613,950 alleles (0.0016%); highest among the groups gnomAD compares: Non-Finnish European, 0.0021%; no homozygotes.

Submissions (2):

Labcorp Genetics (formerly Invitae), Labcorp
Classification: Uncertain significance for Hereditary spastic paraplegia 11. Last evaluated: 2024-11-19. Review status: criteria provided, single submitter. Criteria: Invitae Variant Classification Sherloc (09022015). Collection method: clinical testing. Allele origin: germline.
Comment: This sequence change replaces arginine, which is basic and polar, with cysteine, which is neutral and slightly polar, at codon 2240 of the SPG11 protein (p.Arg2240Cys). This variant is present in population databases (rs146937747, gnomAD 0.002%). This variant has not been reported in the literature in individuals affected with SPG11-related conditions. ClinVar contains an entry for this variant (Variation ID: 845045). Invitae Evidence Modeling of protein sequence and biophysical properties (such as structural, functional, and spatial information, amino acid conservation, physicochemical variation, residue mobility, and thermodynamic stability) indicates that this missense variant is not expected to disrupt SPG11 protein function with a negative predictive value of 80%. In summary, the available evidence is currently insufficient to determine the role of this variant in disease. Therefore, it has been classified as a Variant of Uncertain Significance.

CeGaT Center for Human Genetics Tuebingen
Classification: Uncertain significance. Last evaluated: 2023-11-01. Review status: criteria provided, single submitter. Criteria: CeGaT Center For Human Genetics Tuebingen Variant Classification Criteria Version 2. Collection method: clinical testing. Allele origin: germline. Affected: yes. Observed: 1 variant allele.
Comment: SPG11: PM2, BP4

NM_025137.4(SPG11):c.6718C>T (p.Arg2240Cys)

Gene: SPG11 (SPG11 vesicle trafficking associated, spatacsin; minus strand). Cytogenetic location: 15q21.1.
Variant type: single nucleotide variant.
Coding change: c.6718C>T on transcript NM_025137.4 (MANE Select); coding-DNA position 6718, C replaced by T.
Protein change: p.Arg2240Cys; replaces arginine 2240 with cysteine.
Molecular consequence: missense variant.
Genome position (GRCh38, 1-based): chr15:44,567,460, G>A on the plus strand (C>T on the coding strand, the complement: SPG11 is on the minus strand). VCF-style: chr15-44567460-G-A. GRCh37 (hg19) VCF-style: chr15-44859658-G-A.
Other names: c.6379C>T, p.Arg2127Cys (NM_001160227.2); short protein forms R2127C, R2240C.
Identifiers: ClinVar variation 845045 (VCV000845045.31), dbSNP rs146937747, ClinGen allele CA270059937.